The following is an entry in ClinVar:

ClinVar aggregate classification (germline): Pathogenic (1 of 4 stars; one submission).

Submission:

Labcorp Genetics (formerly Invitae), Labcorp
Classification: Pathogenic. Last evaluated: 2019-09-15. Review status: criteria provided, single submitter. Criteria: Invitae Variant Classification Sherloc (09022015). Collection method: clinical testing. Allele origin: germline.
Comment: This variant has not been reported in the literature in individuals with GRM6-related conditions. This variant is present in population databases (rs761232961, ExAC 0.01%). This sequence change creates a premature translational stop signal (p.Gly373Valfs*32) in the GRM6 gene. It is expected to result in an absent or disrupted protein product. Loss-of-function variants in GRM6 are known to be pathogenic (PMID: 15781871, 16622103, 22008250). For these reasons, this variant has been classified as Pathogenic.

Literature cited by the submitters: PubMed 15781871; PubMed 16622103; PubMed 22008250.

NM_000843.4(GRM6):c.1118del (p.Gly373fs)

Genes: GRM6 (glutamate metabotropic receptor 6; minus strand), ZNF454 (zinc finger protein 454; plus strand). Cytogenetic location: 5q35.3.
Variant type: Deletion.
Coding change: c.1118del on transcript NM_000843.4 (MANE Select); coding-DNA position 1118, one base deleted (G; older notation c.1118delG).
Protein change: p.Gly373fs; shifts the reading frame from glycine 373.
Molecular consequence: frameshift variant.
Genome position (GRCh38, 1-based): chr5:178,989,300, C deleted on the plus strand (G on the coding strand, the reverse complement: GRM6 is on the minus strand); the first of 2 consecutive C bases (chr5:178,989,300-178,989,301); deleting either gives the same sequence. VCF-style (leftmost placement, unchanged base first): chr5-178989299-AC-A. GRCh37 (hg19) VCF-style: chr5-178416300-AC-A.
Other names: short protein forms G373fs.
Identifiers: ClinVar variation 957551 (VCV000957551.7), dbSNP rs761232961, ClinGen allele CA3594234.